The following is an entry in ClinVar:

ClinVar aggregate classification (germline): Pathogenic/Likely pathogenic. Review status: criteria provided, multiple submitters, no conflicts (2 of 4 stars). 3 submissions from 3 submitters: Pathogenic (2); Likely pathogenic (1). Last evaluated 2024-03-18.

Conditions:
Microcephaly, normal intelligence and immunodeficiency (NBS). Also called: Immunodeficiency, microcephaly with normal intelligence; BERLIN BREAKAGE SYNDROME; IMMUNODEFICIENCY, MICROCEPHALY, AND CHROMOSOMAL INSTABILITY; SEEMANOVA SYNDROME II; Ataxia telangiectasia variant V1; Nijmegen breakage syndrome. Identifiers: Orphanet 647, MedGen C0398791, MONDO:0009623, OMIM 251260.
Aplastic anemia. Identifiers: Orphanet 182040, Orphanet 88, MedGen C0002874, MONDO:0015909, OMIM 609135, HP:0001915.

Allele frequency attached by ClinVar (database versions not stated): TOPMed below 0.00001.

Submissions (3):

Labcorp Genetics (formerly Invitae), Labcorp
Classification: Pathogenic for Microcephaly, normal intelligence and immunodeficiency. Last evaluated: 2024-03-18. Review status: criteria provided, single submitter. Criteria: Invitae Variant Classification Sherloc (09022015). Collection method: clinical testing. Allele origin: germline.
Comment: This sequence change creates a premature translational stop signal (p.Gln39Serfs*10) in the NBN gene. It is expected to result in an absent or disrupted protein product. Loss-of-function variants in NBN are known to be pathogenic (PMID: 9590180, 16415040). This variant is not present in population databases (gnomAD no frequency). This variant has not been reported in the literature in individuals affected with NBN-related conditions. ClinVar contains an entry for this variant (Variation ID: 220399). Algorithms developed to predict the effect of sequence changes on RNA splicing suggest that this variant may disrupt the consensus splice site. For these reasons, this variant has been classified as Pathogenic.

Baylor Genetics
Classification: Likely pathogenic for Aplastic anemia. Last evaluated: 2022-09-16. Review status: criteria provided, single submitter. Criteria: ACMG Guidelines, 2015. Collection method: clinical testing. Allele origin: unknown.

Genome-Nilou Lab
Classification: Pathogenic for Microcephaly, normal intelligence and immunodeficiency. Last evaluated: 2021-11-07. Review status: criteria provided, single submitter. Criteria: ACMG Guidelines, 2015. Collection method: clinical testing. Allele origin: germline. Affected: no.

Literature cited by the submitters: PubMed 9590180 (cited by Labcorp Genetics (formerly Invitae), Labcorp); PubMed 16415040 (cited by Labcorp Genetics (formerly Invitae), Labcorp).

NM_002485.5(NBN):c.115del (p.Gln39fs)

Gene: NBN (nibrin; minus strand). Cytogenetic location: 8q21.3.
Variant type: Deletion.
Coding change: c.115del on transcript NM_002485.5 (MANE Select); coding-DNA position 115, one base deleted (C; older notation c.115delC).
Protein change: p.Gln39fs; shifts the reading frame from glutamine 39.
Molecular consequence: frameshift variant. On other transcripts: 5 prime UTR variant (1).
Genome position (GRCh38, 1-based): chr8:89,982,778, G deleted on the plus strand (C on the coding strand, the reverse complement: NBN is on the minus strand). VCF-style (leftmost placement, unchanged base first): chr8-89982777-TG-T. GRCh37 (hg19) VCF-style: chr8-90995005-TG-T.
Other names: c.115delC (NM_002485.4); c.-182del (NM_001024688.3).
Identifiers: ClinVar variation 220399 (VCV000220399.14), dbSNP rs864622511, ClinGen allele CA348289.